The following is an entry in ClinVar:

ClinVar aggregate classification (germline): Uncertain significance (1 of 4 stars; one submission).

Conditions:
Deficiency of ferroxidase (ACEP). Also called: Ceruloplasmin deficiency; Familial apoceruloplasmin deficiency; Hereditary ceruloplasmin deficiency; Aceruloplasminemia; Deficiency of ceruloplasmin; NEURODEGENERATION WITH BRAIN IRON ACCUMULATION 10. Identifiers: Orphanet 48818, MedGen C0878682, MONDO:0011426, OMIM 604290, HP:0025498.

Submission:

Neuberg Centre For Genomic Medicine, NCGM
Classification: Uncertain significance for Deficiency of ferroxidase. Review status: criteria provided, single submitter. Criteria: ACMG Guidelines, 2015. Collection method: clinical testing. Allele origin: germline. Inheritance: Autosomal recessive inheritance. Affected: yes.
Comment: The variant c.3028G>A (p.Val1010Ile) in CP gene has not been reported previously as a pathogenic variant nor as a benign variant, to our knowledge. The p.Val1010Ile variant is novel (not in any individuals) in gnomAD Exomes and 1000 Genomes. This variant has not been reported to the ClinVar database. The amino acid Val at position 1010 is changed to a Ile changing protein sequence and it might alter its composition and physico-chemical properties. In silico tools predict the variant to be tolerated. The residue is variable across species. The p.Val1010Ile variant is novel (not in any individuals) in gnomAD Exomes and 1000 Genomes. For these reasons, this variant has been classified as uncertain significance.

NM_000096.4(CP):c.3028G>A (p.Val1010Ile)

Gene: CP (ceruloplasmin; minus strand). Cytogenetic location: 3q24.
Variant type: single nucleotide variant.
Coding change: c.3028G>A on transcript NM_000096.4 (MANE Select); coding-DNA position 3028, G replaced by A.
Protein change: p.Val1010Ile; replaces valine 1010 with isoleucine.
Molecular consequence: missense variant.
Genome position (GRCh38, 1-based): chr3:149,176,403, C>T on the plus strand (G>A on the coding strand, the complement: CP is on the minus strand). VCF-style: chr3-149176403-C-T. GRCh37 (hg19) VCF-style: chr3-148894190-C-T.
Other names: short protein forms V1010I.
Identifiers: ClinVar variation 2585340 (VCV002585340.1), dbSNP rs2472723567, ClinGen allele CA354928872.
Genomic context (GRCh38, chr3:149,176,403, plus strand): 5'-GAAACATTTCTAGGGTTTGGTATGTTCCAGGGAAAATGTCAAAGACATCAGAACTATAAA[C>T]TCCCCTGTGCTTAATTAGAAAAATGACAAATAATGTATAATATTGTATATGAGAGTTCAC-3'
Protein context (NP_000087.2, residues 1000-1020): GHSFQYKHRG[Val1010Ile]YSSDVFDIFP